The following is an entry in ClinVar:

NM_182914.3(SYNE2):c.16701G>T (p.Thr5567=)

Gene: SYNE2 (spectrin repeat containing nuclear envelope protein 2; plus strand). Cytogenetic location: 14q23.2.
Variant type: single nucleotide variant.
Coding change: c.16701G>T on transcript NM_182914.3 (MANE Select); coding-DNA position 16701, G replaced by T.
Protein change: p.Thr5567=; no amino-acid change (threonine 5567 retained).
Molecular consequence: synonymous variant.
Genome position (GRCh38, 1-based): chr14:64,167,328, G>T. VCF-style: chr14-64167328-G-T. GRCh37 (hg19) VCF-style: chr14-64634046-G-T.
Other names: c.16701G>T, p.Thr5567= (NM_015180.6).
Identifiers: ClinVar variation 538365 (VCV000538365.25), dbSNP rs200950664, ClinGen allele CA7223460.
Genomic context (GRCh38, chr14:64,167,328, plus strand): 5'-TATTGAACATTTGAATGAAGTGAGCCTCAAGCTCCCACTTAGTGACGTAGCTGTGAAGAC[G>T]TTACAAAATATGAACCGGCAATGGATTCGGGCCACGGCCACGGCACTGGAGCGCTGCAGG-3'
Protein context (NP_878918.2, residues 5557-5577): KLPLSDVAVK[Thr5567=]LQNMNRQWIR

ClinVar aggregate classification (germline): Likely benign. Review status: criteria provided, multiple submitters, no conflicts (2 of 4 stars). 2 submissions from 2 submitters: Likely benign (2). Last evaluated 2025-05-27.

Conditions:
Emery-Dreifuss muscular dystrophy 5, autosomal dominant (EDMD5). Also called: EMERY-DREIFUSS MUSCULAR DYSTROPHY 5. Identifiers: Orphanet 261, MedGen C2751805, MONDO:0013072, OMIM 612999.

Allele frequency attached by ClinVar (database versions not stated): TOPMed 0.00002.
gnomAD v4.1: 21 of 1,614,218 alleles (0.0013%); highest among the groups gnomAD compares: Middle Eastern, 0.016%; no homozygotes.

Submissions (2):

Labcorp Genetics (formerly Invitae), Labcorp
Classification: Likely benign for Emery-Dreifuss muscular dystrophy 5, autosomal dominant. Last evaluated: 2025-05-27. Review status: criteria provided, single submitter. Criteria: Invitae Variant Classification Sherloc (09022015). Collection method: clinical testing. Allele origin: germline.

CeGaT Center for Human Genetics Tuebingen
Classification: Likely benign. Last evaluated: 2024-11-01. Review status: criteria provided, single submitter. Criteria: CeGaT Center For Human Genetics Tuebingen Variant Classification Criteria Version 2. Collection method: clinical testing. Allele origin: germline. Affected: yes. Observed: 1 variant allele.
Comment: SYNE2: BP4, BP7